The following is an entry in ClinVar:

NM_001170629.2(CHD8):c.4448G>C (p.Cys1483Ser)

Gene: CHD8 (chromodomain helicase DNA binding protein 8; minus strand). Cytogenetic location: 14q11.2.
Variant type: single nucleotide variant.
Coding change: c.4448G>C on transcript NM_001170629.2 (MANE Select); coding-DNA position 4448, G replaced by C.
Protein change: p.Cys1483Ser; replaces cysteine 1483 with serine.
Molecular consequence: missense variant.
Genome position (GRCh38, 1-based): chr14:21,400,535, C>G on the plus strand (G>C on the coding strand, the complement: CHD8 is on the minus strand). VCF-style: chr14-21400535-C-G. GRCh37 (hg19) VCF-style: chr14-21868694-C-G.
Other names: c.3611G>C, p.Cys1204Ser (NM_020920.4); short protein forms C1204S, C1483S.
Identifiers: ClinVar variation 1805482 (VCV001805482.2), dbSNP rs1887983148, ClinGen allele CA388894019.

ClinVar aggregate classification (germline): Likely benign (1 of 4 stars; one submission).

Conditions:
Intellectual developmental disorder with autism and macrocephaly. Also called: CHD8-Related Neurodevelopmental Disorder with Overgrowth; Autism, susceptibility to, 18. Identifiers: Orphanet 642675, MedGen C3554373, MONDO:0014017, OMIM 615032.

Allele frequency attached by ClinVar (database versions not stated): gnomAD 0.00001; TOPMed 0.00001; gnomAD exomes 0.00002.
gnomAD v4.1: 30 of 1,613,116 alleles (0.0019%); highest among the groups gnomAD compares: Non-Finnish European, 0.0025%; no homozygotes.

Submission:

Victorian Clinical Genetics Services, Murdoch Childrens Research Institute
Classification: Likely benign for Intellectual developmental disorder with autism and macrocephaly. Last evaluated: 2026-06-08. Review status: criteria provided, single submitter. Criteria: ACMG Guidelines, 2015. Collection method: clinical testing. Allele origin: germline. Affected: yes.
Comment: This variant is classified as Likely benign. Evidence in support of pathogenic classification: Missense variant predicted to be damaging by in silico tool(s) or highly conserved with a major amino acid change. Evidence in support of benign classification: Population frequency for this variant is out of keeping with known incidence of intellectual developmental disorder with autism and macrocephaly (MIM#615032). Additional information: Variant is predicted to result in a missense amino acid change from Cys to Ser; This variant is heterozygous; This gene is associated with autosomal dominant disease; This variant has no previous evidence of pathogenicity; No published evidence of segregation with disease has been identified for this variant; No published functional evidence has been identified for this variant; No comparable missense variants have previous evidence for pathogenicity; Variant is not located in an established domain, motif, hotspot or informative constraint region; Loss of function is a known mechanism of disease in this gene and is associated with intellectual developmental disorder with autism and macrocephaly (MIM#615032).